The following is an entry in ClinVar:

NM_001918.5(DBT):c.*2619G>A

Gene: DBT (dihydrolipoamide branched chain transacylase E2; minus strand). Cytogenetic location: 1p21.2.
Variant type: single nucleotide variant.
Coding change: c.*2619G>A on transcript NM_001918.5 (MANE Select); 2619 bases downstream of the stop codon, G replaced by A.
Molecular consequence: 3 prime UTR variant.
Genome position (GRCh38, 1-based): chr1:100,193,636, C>T on the plus strand (G>A on the coding strand, the complement: DBT is on the minus strand). VCF-style: chr1-100193636-C-T. GRCh37 (hg19) VCF-style: chr1-100659192-C-T.
Identifiers: ClinVar variation 291432 (VCV000291432.5), dbSNP rs541064624, ClinGen allele CA10607162.
Genomic context (GRCh38, chr1:100,193,636, plus strand): 5'-ATACAATGGAATACTATGCAGACATTTATTTATTTATTTATTTATTTAGAGACAGAGTCT[C>T]GCTCTATCACCAGGCTGGAGTGCAGTGGCTCAATCTTGGCTCACTGCAACCTCTGCCGCT-3'

ClinVar aggregate classification (germline): Likely benign (1 of 4 stars; one submission).

Conditions:
Maple syrup urine disease (MSUD). Identifiers: Orphanet 511, MedGen C0024776, MeSH D008375, MONDO:0009563. Disease mechanism: loss of function.

Allele frequency attached by ClinVar (database versions not stated): gnomAD below 0.00001 and 0.00011; TOPMed 0.00003; 1000 Genomes Project 30x 0.00109; 1000 Genomes Project 0.00180.

Submission:

Illumina Laboratory Services, Illumina
Classification: Likely benign for Maple syrup urine disease type 1A. Last evaluated: 2018-01-13. Review status: criteria provided, single submitter. Criteria: ICSL Variant Classification Criteria 13 December 2019. Collection method: clinical testing. Allele origin: germline.
Comment: This variant was observed in the ICSL laboratory as part of a predisposition screen in an ostensibly healthy population. It had not been previously curated by ICSL or reported in the Human Gene Mutation Database (HGMD: prior to June 1st, 2018), and was therefore a candidate for classification through an automated scoring system. Utilizing variant allele frequency, disease prevalence and penetrance estimates, and inheritance mode, an automated score was calculated to assess if this variant is too frequent to cause the disease. Based on the score and internal cut-off values, a variant classified as likely benign is not then subjected to further curation. The score for this variant resulted in a classification of likely benign for this disease.